The following is an entry in ClinVar:

NM_015065.3(EXPH5):c.3441G>T (p.Met1147Ile)

Gene: EXPH5 (exophilin 5; minus strand). Cytogenetic location: 11q22.3.
Variant type: single nucleotide variant.
Coding change: c.3441G>T on transcript NM_015065.3 (MANE Select); coding-DNA position 3441, G replaced by T.
Protein change: p.Met1147Ile; replaces methionine 1147 with isoleucine.
Molecular consequence: missense variant.
Genome position (GRCh38, 1-based): chr11:108,512,066, C>A on the plus strand (G>T on the coding strand, the complement: EXPH5 is on the minus strand). VCF-style: chr11-108512066-C-A. GRCh37 (hg19) VCF-style: chr11-108382793-C-A.
Other names: c.3213G>T, p.Met1071Ile (NM_001144763.2); c.2973G>T, p.Met991Ile (NM_001144764.2); c.2877G>T, p.Met959Ile (NM_001144765.2); c.3420G>T, p.Met1140Ile (NM_001308019.2); short protein forms M1147I, M991I, M1071I, M1140I, M959I.
Identifiers: ClinVar variation 770405 (VCV000770405.35), dbSNP rs34012545, ClinGen allele CA6267700.

ClinVar aggregate classification (germline): Benign/Likely benign. Review status: criteria provided, multiple submitters, no conflicts (2 of 4 stars). 4 submissions from 4 submitters: Benign (2); Likely benign (2). Last evaluated 2025-12-03.

Conditions:
EXPH5-related disorder. Also called: EXPH5-related condition.

Allele frequency attached by ClinVar (database versions not stated): 1000 Genomes Project 30x 0.00297; 1000 Genomes Project 0.00319; TOPMed 0.00378; gnomAD 0.00396 and 0.00401; gnomAD exomes 0.00408 and 0.00581; ESP Exome Variant Server 0.00415; ExAC 0.00440.

Submissions (4):

Labcorp Genetics (formerly Invitae), Labcorp
Classification: Benign. Last evaluated: 2025-12-03. Review status: criteria provided, single submitter. Criteria: Invitae Variant Classification Sherloc (09022015). Collection method: clinical testing. Allele origin: germline.

PreventionGenetics, part of Exact Sciences
Classification: Likely benign for EXPH5-related condition. Last evaluated: 2024-10-23. Review status: criteria provided, single submitter. Criteria: ACMG Guidelines, 2015. Collection method: clinical testing. Allele origin: germline.
Comment: This variant is classified as likely benign based on ACMG/AMP sequence variant interpretation guidelines (Richards et al. 2015 PMID: 25741868, with internal and published modifications).

CeGaT Center for Human Genetics Tuebingen
Classification: Likely benign. Last evaluated: 2023-01-01. Review status: criteria provided, single submitter. Criteria: CeGaT Center For Human Genetics Tuebingen Variant Classification Criteria Version 2. Collection method: clinical testing. Allele origin: germline. Affected: yes. Observed: 2 variant alleles.
Comment: EXPH5: BP4, BS2

Breakthrough Genomics
Classification: Benign. Review status: criteria provided, single submitter. Criteria: ACMG Guidelines, 2015. Collection method: not provided. Allele origin: germline. Inheritance: Autosomal recessive inheritance. Affected: yes.